The following is an entry in ClinVar:

NM_001042681.2(RERE):c.3684dup (p.Arg1229fs)

Gene: RERE (arginine-glutamic acid dipeptide repeats; minus strand). Cytogenetic location: 1p36.23.
Variant type: Duplication.
Coding change: c.3684dup on transcript NM_001042681.2 (MANE Select); coding-DNA position 3684, one base duplicated (G; older notation c.3684dupG).
Protein change: p.Arg1229fs; shifts the reading frame from arginine 1229.
Molecular consequence: frameshift variant.
Genome position (GRCh38, 1-based): chr1:8,358,851, C duplicated on the plus strand (G on the coding strand, the reverse complement: RERE is on the minus strand). VCF-style (leftmost placement, unchanged base first): chr1-8358850-G-GC. GRCh37 (hg19) VCF-style: chr1-8418910-G-GC.
Other names: c.2022dup, p.Arg675fs (NM_001042682.2); c.3684dup, p.Arg1229fs (NM_012102.4); short protein forms R1229fs, R675fs.
Identifiers: ClinVar variation 3255047 (VCV003255047.1), dbSNP rs2522697979.

ClinVar aggregate classification (germline): Pathogenic (1 of 4 stars; one submission).

Conditions:
Neurodevelopmental disorder with or without anomalies of the brain, eye, or heart (NEDBEH). Identifiers: Orphanet 494344, MedGen C5567477, MONDO:0014857, OMIM 616975.

Submission:

Victorian Clinical Genetics Services, Murdoch Childrens Research Institute
Classification: Pathogenic for Neurodevelopmental disorder with or without anomalies of the brain, eye, or heart. Last evaluated: 2023-12-21. Review status: criteria provided, single submitter. Criteria: ACMG Guidelines, 2015. Collection method: clinical testing. Allele origin: germline. Inheritance: Autosomal dominant inheritance. Affected: yes.
Comment: Based on the classification scheme VCGS_Germline_v1.3.4, this variant is classified as Pathogenic. Following criteria are met: 0102 - Loss of function is a known mechanism of disease in this gene and is associated with neurodevelopmental disorder with or without anomalies of the brain, eye, or heart (MIM#616975). (I) 0107 - This gene is associated with autosomal dominant disease. (I) 0201 - Variant is predicted to cause nonsense-mediated decay (NMD) and loss of protein (premature termination codon is located at least 54 nucleotides upstream of the final exon-exon junction). (SP) 0251 - This variant is heterozygous. (I) 0301 - Variant is absent from gnomAD (both v2 and v3). (SP) 0701 - Other NMD-predicted variants comparable to the one identified in this case have very strong previous evidence for pathogenicity (DECIPHER). (SP) 0807 - This variant has no previous evidence of pathogenicity. (I) 0905 - No published segregation evidence has been identified for this variant. (I) 1007 - No published functional evidence has been identified for this variant. (SP) Legend: (SP) - Supporting pathogenic, (I) - Information, (SB) - Supporting benign